The following is an entry in ClinVar:

NM_000091.5(COL4A3):c.43_54dup (p.Pro15_Leu18dup)

Genes: COL4A3 (collagen type IV alpha 3 chain; plus strand), LOC129935730 (ATAC-STARR-seq lymphoblastoid silent region 12397; plus strand). Cytogenetic location: 2q36.3.
Variant type: Duplication.
Coding change: c.43_54dup on transcript NM_000091.5 (MANE Select); coding-DNA positions 43 to 54, 12 bases duplicated (CCGCTCCTGCTG).
Protein change: p.Pro15_Leu18dup.
Molecular consequence: inframe insertion.
Genome position (GRCh38, 1-based): chr2:227,164,769-227,164,780, CCGCTCCTGCTG duplicated; duplicating any 12 consecutive bases within chr2:227,164,759-227,164,780 gives the same sequence; the c. name uses the placement nearest the transcript's 3' end. VCF-style (leftmost placement, unchanged base first): chr2-227164758-T-TGCTCCTGCTGCC. GRCh37 (hg19) VCF-style: chr2-228029474-T-TGCTCCTGCTGCC.
Other names: c.43_54dup (NM_000091.4).
Identifiers: ClinVar variation 3364038 (VCV003364038.1).

ClinVar aggregate classification (germline): Uncertain significance (1 of 4 stars; one submission).

Submission:

GeneDx
Classification: Uncertain significance. Last evaluated: 2023-11-14. Review status: criteria provided, single submitter. Criteria: GeneDx Variant Classification Process June 2021. Collection method: clinical testing. Allele origin: germline. Affected: yes.
Comment: In-frame insertion of four amino acids in a non-repeat region; Not observed at significant frequency in large population cohorts (gnomAD); Has not been previously published as pathogenic or benign to our knowledge